The following is an entry in ClinVar:

NM_000057.4(BLM):c.233C>A (p.Pro78His)

Gene: BLM (BLM RecQ like helicase; plus strand). Cytogenetic location: 15q26.1.
Variant type: single nucleotide variant.
Coding change: c.233C>A on transcript NM_000057.4 (MANE Select); coding-DNA position 233, C replaced by A.
Protein change: p.Pro78His; replaces proline 78 with histidine.
Molecular consequence: missense variant. On other transcripts: 5 prime UTR variant (1).
Genome position (GRCh38, 1-based): chr15:90,749,501, C>A. VCF-style: chr15-90749501-C-A. GRCh37 (hg19) VCF-style: chr15-91292731-C-A.
Other names: c.233C>A, p.Pro78His (NM_001287246.2, NM_001287247.2); c.-1059C>A (NM_001287248.2); short protein forms P78H.
Identifiers: ClinVar variation 1789833 (VCV001789833.5), dbSNP rs2151146905, ClinGen allele CA393839880.

ClinVar aggregate classification (germline): Uncertain significance. Review status: criteria provided, multiple submitters, no conflicts (2 of 4 stars). 2 submissions from 2 submitters: Uncertain significance (2). Last evaluated 2025-08-23.

Conditions:
Hereditary cancer-predisposing syndrome. Also called: Hereditary Cancer Syndrome; Hereditary neoplastic syndrome; Tumor predisposition; Neoplastic Syndromes, Hereditary. Identifiers: Orphanet 140162, MedGen C0027672, MeSH D009386, MONDO:0015356.
Bloom syndrome (BLM). Also called: Bloom-Torre-Machacek syndrome. Identifiers: Orphanet 125, MedGen C0005859, MONDO:0008876, OMIM 210900.

Submissions (2):

Ambry Genetics
Classification: Uncertain significance for Hereditary cancer-predisposing syndrome. Last evaluated: 2025-08-23. Review status: criteria provided, single submitter. Criteria: Ambry Variant Classification Scheme 2023. Collection method: clinical testing. Allele origin: germline.
Comment: The p.P78H variant (also known as c.233C>A), located in coding exon 2 of the BLM gene, results from a C to A substitution at nucleotide position 233. The proline at codon 78 is replaced by histidine, an amino acid with similar properties. This amino acid position is conserved. In addition, this alteration is predicted to be tolerated by in silico analysis. Since supporting evidence is limited at this time, the clinical significance of this alteration remains unclear.

Labcorp Genetics (formerly Invitae), Labcorp
Classification: Uncertain significance for Bloom syndrome. Last evaluated: 2024-04-09. Review status: criteria provided, single submitter. Criteria: Invitae Variant Classification Sherloc (09022015). Collection method: clinical testing. Allele origin: germline.
Comment: This sequence change replaces proline, which is neutral and non-polar, with histidine, which is basic and polar, at codon 78 of the BLM protein (p.Pro78His). This variant is not present in population databases (gnomAD no frequency). This variant has not been reported in the literature in individuals affected with BLM-related conditions. ClinVar contains an entry for this variant (Variation ID: 1789833). An algorithm developed to predict the effect of missense changes on protein structure and function (PolyPhen-2) suggests that this variant is likely to be disruptive. In summary, the available evidence is currently insufficient to determine the role of this variant in disease. Therefore, it has been classified as a Variant of Uncertain Significance.